The following is an entry in ClinVar:

ClinVar aggregate classification (germline): Uncertain significance. Review status: criteria provided, multiple submitters, no conflicts (2 of 4 stars). 3 submissions from 3 submitters: Uncertain significance (3). Last evaluated 2020-07-09.

Conditions:
Bartsocas-Papas syndrome 1. Also called: Bartsocas-Papas syndrome; MULTIPLE PTERYGIUM SYNDROME, ASLAN TYPE; PTERYGIUM, POPLITEAL, LETHAL TYPE. Identifiers: Orphanet 1234, MedGen C1849718, MONDO:0009901, OMIM 263650.

Allele frequency attached by ClinVar (database versions not stated): ExAC 0.00024; ESP Exome Variant Server 0.00069; gnomAD 0.00076 and 0.00081; TOPMed 0.00085; 1000 Genomes Project 0.00140; 1000 Genomes Project 30x 0.00141; gnomAD exomes 0.00008 and 0.00022.
gnomAD v4.1: 241 of 1,611,728 alleles (0.015%); highest among the groups gnomAD compares: African/African-American, 0.23%; 1 homozygote.

Submissions (3):

GeneDx
Classification: Uncertain significance. Last evaluated: 2020-07-09. Review status: criteria provided, single submitter. Criteria: GeneDx Variant Classification Process June 2021. Collection method: clinical testing. Allele origin: germline. Affected: yes.
Comment: In silico analysis supports that this missense variant has a deleterious effect on protein structure/function; Has not been previously published as pathogenic or benign to our knowledge

Illumina Laboratory Services, Illumina
Classification: Uncertain significance for Bartsocas-Papas syndrome 1. Last evaluated: 2018-01-13. Review status: criteria provided, single submitter. Criteria: ICSL Variant Classification Criteria 13 December 2019. Collection method: clinical testing. Allele origin: germline.

Genetic Services Laboratory, University of Chicago
Classification: Uncertain significance. Last evaluated: 2017-01-05. Review status: criteria provided, single submitter. Criteria: ACMG Guidelines, 2015. Collection method: clinical testing. Allele origin: germline. Affected: no.

NM_020639.3(RIPK4):c.2008G>A (p.Gly670Ser)

Gene: RIPK4 (receptor interacting serine/threonine kinase 4; minus strand). Cytogenetic location: 21q22.3.
Variant type: single nucleotide variant.
Coding change: c.2008G>A on transcript NM_020639.3 (MANE Select); coding-DNA position 2008, G replaced by A.
Protein change: p.Gly670Ser; replaces glycine 670 with serine.
Molecular consequence: missense variant.
Genome position (GRCh38, 1-based): chr21:41,741,185, C>T on the plus strand (G>A on the coding strand, the complement: RIPK4 is on the minus strand). VCF-style: chr21-41741185-C-T. GRCh37 (hg19) VCF-style: chr21-43161345-C-T.
Other names: short protein forms G670S.
Identifiers: ClinVar variation 340014 (VCV000340014.10), dbSNP rs148192173, ClinGen allele CA10035156.
Genomic context (GRCh38, chr21:41,741,185, plus strand): 5'-CAAGCAGCTTGACAGTGGCCAGGTGTCCGTTGCGGGCAGCCAGGTGCAGAGCGGTGTAGC[C>T]GTCTGAGGTCATGGCCTCCTTGCCAGCGCCCCGATGCAGGAGCAGCCTGGCAGTGCTCGT-3'
Protein context (NP_065690.2, residues 660-680): GAGKEAMTSD[Gly670Ser]YTALHLAARN